The following is an entry in ClinVar:

ClinVar aggregate classification (germline): Uncertain significance (1 of 4 stars; one submission).

Conditions:
Hereditary cancer-predisposing syndrome. Also called: Hereditary Cancer Syndrome; Hereditary neoplastic syndrome; Neoplastic Syndromes, Hereditary; Tumor predisposition. Identifiers: Orphanet 140162, MedGen C0027672, MeSH D009386, MONDO:0015356.

Submission:

Ambry Genetics
Classification: Uncertain significance for Hereditary cancer-predisposing syndrome. Last evaluated: 2024-01-04. Review status: criteria provided, single submitter. Criteria: Ambry Variant Classification Scheme 2023. Collection method: clinical testing. Allele origin: germline.
Comment: The c.132+4A>G intronic variant results from an A to G substitution 4 nucleotides after coding exon 1 in the FH gene. This nucleotide position is highly conserved in available vertebrate species. This alteration has been observed in at least one individual with a personal and/or family history that is consistent with FH-related disease (Ambry internal data). In silico splice site analysis predicts that this alteration may weaken the native splice donor site; however, direct evidence is insufficient at this time (Ambry internal data). Since supporting evidence is limited at this time, the clinical significance of this alteration remains unclear.

NM_000143.4(FH):c.132+4A>G

Gene: FH (fumarate hydratase; minus strand). Cytogenetic location: 1q43.
Variant type: single nucleotide variant.
Coding change: c.132+4A>G on transcript NM_000143.4 (MANE Select); 4 bases into the intron after coding-DNA position 132, A replaced by G.
Molecular consequence: intron variant.
Genome position (GRCh38, 1-based): chr1:241,519,587, T>C on the plus strand (A>G on the coding strand, the complement: FH is on the minus strand). VCF-style: chr1-241519587-T-C. GRCh37 (hg19) VCF-style: chr1-241682887-T-C.
Identifiers: ClinVar variation 1769882 (VCV001769882.2), dbSNP rs2147926812, ClinGen allele CA2580063556.